The following is an entry in ClinVar:

ClinVar aggregate classification (germline): Uncertain significance (1 of 4 stars; one submission).

Conditions:
Gorlin syndrome. Also called: Nevoid Basal Cell Carcinoma Syndrome; Basal cell nevus syndrome. Identifiers: Orphanet 377, MedGen C0004779, MONDO:0007187.

Allele frequency attached by ClinVar (database versions not stated): TOPMed 0.00001; gnomAD 0.00001; gnomAD exomes 0.00001.
gnomAD v4.1: 24 of 1,613,650 alleles (0.0015%); highest among the groups gnomAD compares: African/African-American, 0.004%; no homozygotes.

Submission:

Labcorp Genetics (formerly Invitae), Labcorp
Classification: Uncertain significance for Gorlin syndrome. Last evaluated: 2024-07-21. Review status: criteria provided, single submitter. Criteria: Invitae Variant Classification Sherloc (09022015). Collection method: clinical testing. Allele origin: germline.
Comment: This sequence change falls in intron 15 of the PTCH2 gene. It does not directly change the encoded amino acid sequence of the PTCH2 protein. This variant is present in population databases (no rsID available, gnomAD 0.003%). This variant has not been reported in the literature in individuals affected with PTCH2-related conditions. ClinVar contains an entry for this variant (Variation ID: 847266). Algorithms developed to predict the effect of sequence changes on RNA splicing suggest that this variant may disrupt the consensus splice site. In summary, the available evidence is currently insufficient to determine the role of this variant in disease. Therefore, it has been classified as a Variant of Uncertain Significance.

NM_003738.5(PTCH2):c.2371+9C>T

Gene: PTCH2 (patched 2; minus strand). Cytogenetic location: 1p34.1.
Variant type: single nucleotide variant.
Coding change: c.2371+9C>T on transcript NM_003738.5 (MANE Select); 9 bases into the intron after coding-DNA position 2371, C replaced by T.
Molecular consequence: intron variant.
Genome position (GRCh38, 1-based): chr1:44,827,393, G>A on the plus strand (C>T on the coding strand, the complement: PTCH2 is on the minus strand). VCF-style: chr1-44827393-G-A. GRCh37 (hg19) VCF-style: chr1-45293065-G-A.
Other names: c.2371+9C>T (NM_001166292.2).
Identifiers: ClinVar variation 847266 (VCV000847266.10), dbSNP rs1261637894, ClinGen allele CA417561935.
Genomic context (GRCh38, chr1:44,827,393, plus strand): 5'-CTATTAGCTGGTGGCCCCAGGGCGTTTCTCCCTGCAGCACCCCTCCCTGCCCGTCTCCTC[G>A]CCTCTCACCCTGTAGCCAGTTGCGGTAATAGTGCAGCCAGGTGCGGGGTGCCTGGGTGGC-3'